The following is an entry in ClinVar:

NM_002439.5(MSH3):c.335_336del (p.Asp112fs)

Gene: MSH3 (mutS homolog 3; plus strand). Cytogenetic location: 5q14.1.
Variant type: Deletion.
Coding change: c.335_336del on transcript NM_002439.5 (MANE Select); coding-DNA positions 335 to 336, 2 bases deleted (AT; older notation c.335_336delAT).
Protein change: p.Asp112fs; shifts the reading frame from aspartic acid 112.
Molecular consequence: frameshift variant.
Genome position (GRCh38, 1-based): chr5:80,656,508-80,656,509, AT deleted. VCF-style (leftmost placement, unchanged base first): chr5-80656507-GAT-G. GRCh37 (hg19) VCF-style: chr5-79952326-GAT-G.
Other names: short protein forms D112fs.
Identifiers: ClinVar variation 3398679 (VCV003398679.1).

ClinVar aggregate classification (germline): Pathogenic (1 of 4 stars; one submission).

Conditions:
Hereditary cancer-predisposing syndrome. Also called: Hereditary Cancer Syndrome; Tumor predisposition; Hereditary neoplastic syndrome; Neoplastic Syndromes, Hereditary. Identifiers: Orphanet 140162, MedGen C0027672, MeSH D009386, MONDO:0015356.

Submission:

Ambry Genetics
Classification: Pathogenic for Hereditary cancer-predisposing syndrome. Last evaluated: 2024-07-02. Review status: criteria provided, single submitter. Criteria: Ambry Variant Classification Scheme 2023. Collection method: clinical testing. Allele origin: germline.
Comment: The c.335_336delAT pathogenic mutation, located in coding exon 2 of the MSH3 gene, results from a deletion of two nucleotides at nucleotide positions 335 to 336, causing a translational frameshift with a predicted alternate stop codon (p.D112Afs*8). This variant is considered to be rare based on population cohorts in the Genome Aggregation Database (gnomAD). This alteration is expected to result in loss of function by premature protein truncation or nonsense-mediated mRNA decay. As such, this alteration is interpreted as a disease-causing mutation.